The following is an entry in ClinVar:

ClinVar aggregate classification (germline): Uncertain significance (1 of 4 stars; one submission).

Submission:

Labcorp Genetics (formerly Invitae), Labcorp
Classification: Uncertain significance. Last evaluated: 2023-05-08. Review status: criteria provided, single submitter. Criteria: Invitae Variant Classification Sherloc (09022015). Collection method: clinical testing. Allele origin: germline.
Comment: This variant has not been reported in the literature in individuals affected with CNNM4-related conditions. This variant is present in population databases (rs762522792, gnomAD 0.004%). This variant, c.1581_1583del, results in the deletion of 1 amino acid(s) of the CNNM4 protein (p.Lys527del), but otherwise preserves the integrity of the reading frame. In summary, the available evidence is currently insufficient to determine the role of this variant in disease. Therefore, it has been classified as a Variant of Uncertain Significance. Experimental studies and prediction algorithms are not available or were not evaluated, and the functional significance of this variant is currently unknown.

NM_020184.4(CNNM4):c.1578GAA[1] (p.Lys527del)

Gene: CNNM4 (cyclin and CBS domain divalent metal cation transport mediator 4; plus strand). Cytogenetic location: 2q11.2.
Variant type: Microsatellite.
Coding change: c.1578GAA[1] on transcript NM_020184.4 (MANE Select); one copy of the 3-base unit GAA starting at c.1578; the reference has two copies in a row; one copy, 3 bases deleted.
Protein change: p.Lys527del; deletes lysine 527.
Molecular consequence: inframe deletion.
Genome position (GRCh38, 1-based): chr2:96,797,547-96,797,549, GAA deleted; deleting any 3 consecutive bases within chr2:96,797,543-96,797,549 gives the same sequence; the position shown is the placement nearest the transcript's 3' end. VCF-style (leftmost placement, unchanged base first): chr2-96797542-GAGA-G. GRCh37 (hg19) VCF-style: chr2-97463279-GAGA-G.
Other names: short protein forms K527del.
Identifiers: ClinVar variation 1500557 (VCV001500557.8), dbSNP rs762522792, ClinGen allele CA1783405.